The following is an entry in ClinVar:

NM_005961.3(MUC6):c.4521T>C (p.Ser1507=)

Gene: MUC6 (mucin 6, oligomeric mucus/gel-forming (gene/pseudogene); minus strand). Cytogenetic location: 11p15.5.
Variant type: single nucleotide variant.
Coding change: c.4521T>C on transcript NM_005961.3 (MANE Select); coding-DNA position 4521, T replaced by C.
Protein change: p.Ser1507=; no amino-acid change (serine 1507 retained).
Molecular consequence: synonymous variant.
Genome position (GRCh38, 1-based): chr11:1,018,280, A>G on the plus strand (T>C on the coding strand, the complement: MUC6 is on the minus strand). VCF-style: chr11-1018280-A-G. GRCh37 (hg19) VCF-style: chr11-1018280-A-G.
Identifiers: ClinVar variation 4084451 (VCV004084451.8).
Genomic context (GRCh38, chr11:1,018,280, plus strand): 5'-TGAATGTAGCGAGGTAGGTGTTTTGTTTGTGCTGAATGAGCTGTGGGCTTGGCTGGTCCC[A>G]CTGGTGGTCGGCGTTATTGGTGGGGCTGTGTGGGTGGACCCTGTGGCCTTGAGCGTTGTT-3'
Protein context (NP_005952.2, residues 1497-1517): HTAPPITPTT[Ser1507=]GTSQAHSSFS

ClinVar aggregate classification (germline): Likely benign (1 of 4 stars; one submission).

Submission:

CeGaT Center for Human Genetics Tuebingen
Classification: Likely benign. Last evaluated: 2025-07-01. Review status: criteria provided, single submitter. Criteria: CeGaT Center For Human Genetics Tuebingen Variant Classification Criteria Version 2. Collection method: clinical testing. Allele origin: germline. Affected: yes. Observed: 1 variant allele.
Comment: MUC6: BP4, BP7